The following is an entry in ClinVar:

ClinVar aggregate classification (germline): Benign/Likely benign. Review status: criteria provided, multiple submitters, no conflicts (2 of 4 stars). 5 submissions from 5 submitters: Benign (4); Likely benign (1). Last evaluated 2026-01-11.

Conditions:
Familial sleep-related hypermotor epilepsy. Also called: Autosomal Dominant Sleep-Related Hypermotor (Hyperkinetic) Epilepsy. Identifiers: Orphanet 98784, MedGen C3696898, MONDO:0000030.
Autosomal dominant nocturnal frontal lobe epilepsy 4. Also called: EPILEPSY, FAMILIAL, WITH NOCTURNAL WANDERING AND ICTAL FEAR; CHRNA2-Related Nocturnal Frontal Lobe Epilepsy, Autosomal Dominant. Identifiers: Orphanet 98784, MedGen C1835905, MONDO:0012474, OMIM 610353.

Allele frequency attached by ClinVar (database versions not stated): gnomAD 0.00217 and 0.00236; 1000 Genomes Project 0.00240; 1000 Genomes Project 30x 0.00250; TOPMed 0.00263; ESP Exome Variant Server 0.00277.

Submissions (5):

Labcorp Genetics (formerly Invitae), Labcorp
Classification: Benign. Last evaluated: 2026-01-11. Review status: criteria provided, single submitter. Criteria: Invitae Variant Classification Sherloc (09022015). Collection method: clinical testing. Allele origin: germline.

Blueprint Genetics
Classification: Likely benign. Last evaluated: 2024-11-25. Review status: criteria provided, single submitter. Criteria: ACMG Guidelines, 2015. Collection method: clinical testing. Allele origin: germline.

Illumina Laboratory Services, Illumina
Classification: Benign for Autosomal dominant nocturnal frontal lobe epilepsy 4. Last evaluated: 2018-01-12. Review status: criteria provided, single submitter. Criteria: ICSL Variant Classification Criteria 13 December 2019. Collection method: clinical testing. Allele origin: germline.
Comment: This variant was observed in the ICSL laboratory as part of a predisposition screen in an ostensibly healthy population. It had not been previously curated by ICSL or reported in the Human Gene Mutation Database (HGMD: prior to June 1st, 2018), and was therefore a candidate for classification through an automated scoring system. Utilizing variant allele frequency, disease prevalence and penetrance estimates, and inheritance mode, an automated score was calculated to assess if this variant is too frequent to cause the disease. Based on the score and internal cut-off values, a variant classified as benign is not then subjected to further curation. The score for this variant resulted in a classification of benign for this disease.

Eurofins Ntd Llc (ga)
Classification: Benign. Last evaluated: 2015-10-22. Review status: criteria provided, single submitter. Criteria: EGL Classification Definitions 2015. Collection method: clinical testing. Allele origin: germline. Observed: 2 variant alleles, 2 heterozygotes.

GeneDx
Classification: Benign. Last evaluated: 2012-05-21. Review status: criteria provided, single submitter. Criteria: GeneDx Variant Classification (06012015). Collection method: clinical testing. Allele origin: germline. Affected: yes.
Comment: This variant is considered likely benign or benign based on one or more of the following criteria: it is a conservative change, it occurs at a poorly conserved position in the protein, it is predicted to be benign by multiple in silico algorithms, and/or has population frequency not consistent with disease.

NM_000742.4(CHRNA2):c.449+12T>C

Gene: CHRNA2 (cholinergic receptor nicotinic alpha 2 subunit; minus strand). Cytogenetic location: 8p21.2.
Variant type: single nucleotide variant.
Coding change: c.449+12T>C on transcript NM_000742.4 (MANE Select); 12 bases into the intron after coding-DNA position 449, T replaced by C.
Molecular consequence: intron variant.
Genome position (GRCh38, 1-based): chr8:27,467,217, A>G on the plus strand (T>C on the coding strand, the complement: CHRNA2 is on the minus strand). VCF-style: chr8-27467217-A-G. GRCh37 (hg19) VCF-style: chr8-27324734-A-G.
Other names: c.-24+12T>C (NM_001347705.2, NM_001347706.2); c.404+12T>C (NM_001282455.2); c.-13+12T>C (NM_001347708.2); c.-10+12T>C (NM_001347707.2).
Identifiers: ClinVar variation 136749 (VCV000136749.17), dbSNP rs202012980, ClinGen allele CA290076.